The following is an entry in ClinVar:

ClinVar aggregate classification (germline): Likely benign. Review status: criteria provided, multiple submitters, no conflicts (2 of 4 stars). 3 submissions from 3 submitters: Likely benign (3). Last evaluated 2025-01-08.

Conditions:
MYH9-related disorder. Identifiers: MedGen C1854520.

Allele frequency attached by ClinVar (database versions not stated): gnomAD exomes 0.00001; TOPMed 0.00002; ExAC 0.00003; gnomAD 0.00003; 1000 Genomes Project 30x 0.00016; 1000 Genomes Project 0.00020.
gnomAD v4.1: 22 of 1,614,218 alleles (0.0014%); highest among the groups gnomAD compares: Middle Eastern, 0.016%; no homozygotes.

Submissions (3):

PreventionGenetics, part of Exact Sciences
Classification: Likely benign for MYH9-related condition. Last evaluated: 2025-01-08. Review status: criteria provided, single submitter. Criteria: ACMG Guidelines, 2015. Collection method: clinical testing. Allele origin: germline.
Comment: This variant is classified as likely benign based on ACMG/AMP sequence variant interpretation guidelines (Richards et al. 2015 PMID: 25741868, with internal and published modifications).

Labcorp Genetics (formerly Invitae), Labcorp
Classification: Likely benign. Last evaluated: 2024-08-31. Review status: criteria provided, single submitter. Criteria: Invitae Variant Classification Sherloc (09022015). Collection method: clinical testing. Allele origin: germline.

CeGaT Center for Human Genetics Tuebingen
Classification: Likely benign. Last evaluated: 2023-06-01. Review status: criteria provided, single submitter. Criteria: CeGaT Center For Human Genetics Tuebingen Variant Classification Criteria Version 2. Collection method: clinical testing. Allele origin: germline. Affected: yes. Observed: 1 variant allele.
Comment: MYH9: BP4, BP7

NM_002473.6(MYH9):c.21T>C (p.Asp7=)

Gene: MYH9 (myosin heavy chain 9; minus strand). Cytogenetic location: 22q12.3.
Variant type: single nucleotide variant.
Coding change: c.21T>C on transcript NM_002473.6 (MANE Select); coding-DNA position 21, T replaced by C.
Protein change: p.Asp7=; no amino-acid change (aspartic acid 7 retained).
Molecular consequence: synonymous variant.
Genome position (GRCh38, 1-based): chr22:36,349,216, A>G on the plus strand (T>C on the coding strand, the complement: MYH9 is on the minus strand). VCF-style: chr22-36349216-A-G. GRCh37 (hg19) VCF-style: chr22-36745261-A-G.
Identifiers: ClinVar variation 2653104 (VCV002653104.27), dbSNP rs148130685, ClinGen allele CA10210739.